The following is an entry in ClinVar:

ClinVar aggregate classification (germline): Uncertain significance. Review status: criteria provided, multiple submitters, no conflicts (2 of 4 stars). 2 submissions from 2 submitters: Uncertain significance (2). Last evaluated 2025-12-16.

Allele frequency attached by ClinVar (database versions not stated): gnomAD 0.00007; ESP Exome Variant Server 0.00008.
gnomAD v4.1: 52 of 1,364,084 alleles (0.0038%); highest among the groups gnomAD compares: East Asian, 0.027%; no homozygotes.

Submissions (2):

Labcorp Genetics (formerly Invitae), Labcorp
Classification: Uncertain significance. Last evaluated: 2025-12-16. Review status: criteria provided, single submitter. Criteria: Invitae Variant Classification Sherloc (09022015). Collection method: clinical testing. Allele origin: germline.
Comment: This sequence change replaces valine, which is neutral and non-polar, with isoleucine, which is neutral and non-polar, at codon 1126 of the ERCC6L2 protein (p.Val1126Ile). This variant is present in population databases (rs372961783, gnomAD 0.03%). This missense change has been observed in individual(s) with idiopathic cytopenia of undetermined significance (PMID: 37216690). ClinVar contains an entry for this variant (Variation ID: 3021733). Experimental studies and prediction algorithms are not available or were not evaluated, and the functional significance of this variant is currently unknown. In summary, the available evidence is currently insufficient to determine the role of this variant in disease. Therefore, it has been classified as a Variant of Uncertain Significance.

Blueprint Genetics
Classification: Uncertain significance. Last evaluated: 2024-02-20. Review status: criteria provided, single submitter. Criteria: ACMG Guidelines, 2015. Collection method: clinical testing. Allele origin: germline.

Literature cited by the submitters: PubMed 37216690 (cited by Labcorp Genetics (formerly Invitae), Labcorp).

NM_020207.7(ERCC6L2):c.3343G>A (p.Val1115Ile)

Gene: ERCC6L2 (ERCC excision repair 6 like 2; plus strand). Cytogenetic location: 9q22.32.
Variant type: single nucleotide variant.
Coding change: c.3343G>A on transcript NM_020207.7 (MANE Select); coding-DNA position 3343, G replaced by A.
Protein change: p.Val1115Ile; replaces valine 1115 with isoleucine.
Molecular consequence: missense variant. On other transcripts: non-coding transcript variant (1).
Genome position (GRCh38, 1-based): chr9:95,978,066, G>A. VCF-style: chr9-95978066-G-A. GRCh37 (hg19) VCF-style: chr9-98740348-G-A.
Other names: c.3343G>A, p.Val1115Ile (NM_001375291.1, NM_001375292.1, NM_001375293.1 and 1 more transcripts); short protein forms V1115I.
Identifiers: ClinVar variation 3021733 (VCV003021733.4), dbSNP rs372961783, ClinGen allele CA5139902.